The following is an entry in ClinVar:

ClinVar aggregate classification (germline): Uncertain significance. Review status: criteria provided, multiple submitters, no conflicts (2 of 4 stars). 2 submissions from 2 submitters: Uncertain significance (2). Last evaluated 2025-04-17.

Conditions:
Progressive encephalopathy with leukodystrophy due to DECR deficiency. Identifiers: Orphanet 431361, MedGen C1857252, MONDO:0014464, OMIM 616034.

Allele frequency attached by ClinVar (database versions not stated): gnomAD exomes below 0.00001 and 0.00002; TOPMed below 0.00001; ExAC 0.00001.
gnomAD v4.1: 28 of 1,613,884 alleles (0.0017%); highest among the groups gnomAD compares: Non-Finnish European, 0.0024%; no homozygotes.

Submissions (2):

Labcorp Genetics (formerly Invitae), Labcorp
Classification: Uncertain significance for Progressive encephalopathy with leukodystrophy due to DECR deficiency. Last evaluated: 2025-04-17. Review status: criteria provided, single submitter. Criteria: Invitae Variant Classification Sherloc (09022015). Collection method: clinical testing. Allele origin: germline.
Comment: This sequence change replaces histidine, which is basic and polar, with arginine, which is basic and polar, at codon 258 of the NADK2 protein (p.His258Arg). This variant is present in population databases (rs766002424, gnomAD 0.0009%). This variant has not been reported in the literature in individuals affected with NADK2-related conditions. ClinVar contains an entry for this variant (Variation ID: 1031067). Invitae Evidence Modeling of protein sequence and biophysical properties (such as structural, functional, and spatial information, amino acid conservation, physicochemical variation, residue mobility, and thermodynamic stability) indicates that this missense variant is not expected to disrupt NADK2 protein function with a negative predictive value of 80%. In summary, the available evidence is currently insufficient to determine the role of this variant in disease. Therefore, it has been classified as a Variant of Uncertain Significance.

Baylor Genetics
Classification: Uncertain significance for Progressive encephalopathy with leukodystrophy due to DECR deficiency. Last evaluated: 2019-11-14. Review status: criteria provided, single submitter. Criteria: ACMG Guidelines, 2015. Collection method: clinical testing. Allele origin: unknown. Affected: yes.
Comment: This variant was determined to be of uncertain significance according to ACMG Guidelines, 2015 [PMID:25741868].

NM_001085411.3(NADK2):c.773A>G (p.His258Arg)

Gene: NADK2 (NAD kinase 2, mitochondrial; minus strand). Cytogenetic location: 5p13.2.
Variant type: single nucleotide variant.
Coding change: c.773A>G on transcript NM_001085411.3 (MANE Select); coding-DNA position 773, A replaced by G.
Protein change: p.His258Arg; replaces histidine 258 with arginine.
Molecular consequence: missense variant.
Genome position (GRCh38, 1-based): chr5:36,217,756, T>C on the plus strand (A>G on the coding strand, the complement: NADK2 is on the minus strand). VCF-style: chr5-36217756-T-C. GRCh37 (hg19) VCF-style: chr5-36217858-T-C.
Other names: c.284A>G, p.His95Arg (NM_001287340.2, NM_001287341.2, NM_153013.5); short protein forms H258R, H95R.
Identifiers: ClinVar variation 1031067 (VCV001031067.2), dbSNP rs766002424, ClinGen allele CA3234621.